The following is an entry in ClinVar:

ClinVar aggregate classification (germline): Uncertain significance (1 of 4 stars; one submission).

Conditions:
Dilated cardiomyopathy 1G (CMD1G). Identifiers: Orphanet 154, MedGen C1858763, MONDO:0011400, OMIM 604145.
Autosomal recessive limb-girdle muscular dystrophy type 2J (LGMDR10). Also called: MUSCULAR DYSTROPHY, LIMB-GIRDLE, AUTOSOMAL RECESSIVE 10; Limb-girdle muscular dystrophy, type 2J. Identifiers: Orphanet 140922, MedGen C1837342, MONDO:0012127, OMIM 608807.

Allele frequency attached by ClinVar (database versions not stated): TOPMed below 0.00001; gnomAD 0.00001.
gnomAD v4.1: 4 of 1,613,932 alleles (0.00025%); highest among the groups gnomAD compares: Non-Finnish European, 0.00034%; no homozygotes.

Submission:

Labcorp Genetics (formerly Invitae), Labcorp
Classification: Uncertain significance for Dilated cardiomyopathy 1G; Autosomal recessive limb-girdle muscular dystrophy type 2J. Last evaluated: 2025-09-08. Review status: criteria provided, single submitter. Criteria: Invitae Variant Classification Sherloc (09022015). Collection method: clinical testing. Allele origin: germline.
Comment: This sequence change replaces isoleucine, which is neutral and non-polar, with threonine, which is neutral and polar, at codon 35618 of the TTN protein (p.Ile35618Thr). This variant is not present in population databases (gnomAD no frequency). This variant has not been reported in the literature in individuals affected with TTN-related conditions. ClinVar contains an entry for this variant (Variation ID: 663996). Experimental studies and prediction algorithms are not available or were not evaluated, and the functional significance of this variant is currently unknown. This variant is located in the M band of TTN (PMID: 25589632). Non-truncating variants in this region may be relevant for neuromuscular disorders, but have not been definitively shown to cause cardiomyopathy (PMID: 23975875). In summary, the available evidence is currently insufficient to determine the role of this variant in disease. Therefore, it has been classified as a Variant of Uncertain Significance.

Literature cited by the submitters: PubMed 25589632; PubMed 23975875.

NM_001267550.2(TTN):c.106853T>C (p.Ile35618Thr)

Genes: TTN (titin; minus strand), TTN-AS1 (TTN antisense RNA 1; plus strand). Cytogenetic location: 2q31.2.
Variant type: single nucleotide variant.
Coding change: c.106853T>C on transcript NM_001267550.2 (MANE Select); coding-DNA position 106853, T replaced by C.
Protein change: p.Ile35618Thr; replaces isoleucine 35618 with threonine.
Molecular consequence: missense variant.
Genome position (GRCh38, 1-based): chr2:178,528,898, A>G on the plus strand (T>C on the coding strand, the complement: TTN is on the minus strand). VCF-style: chr2-178528898-A-G. GRCh37 (hg19) VCF-style: chr2-179393625-A-G.
Other names: c.101930T>C, p.Ile33977Thr (NM_001256850.1); c.79658T>C, p.Ile26553Thr (NM_003319.4); c.99149T>C, p.Ile33050Thr (NM_133378.4); c.80033T>C, p.Ile26678Thr (NM_133432.3); c.80234T>C, p.Ile26745Thr (NM_133437.4); short protein forms I26553T, I26678T, I35618T, I26745T, I33050T, I33977T.
Identifiers: ClinVar variation 663996 (VCV000663996.9), dbSNP rs1575194805, ClinGen allele CA349402850.